The following is an entry in ClinVar:

ClinVar aggregate classification (germline): Uncertain significance (1 of 4 stars; one submission).

Allele frequency attached by ClinVar (database versions not stated): gnomAD exomes below 0.00001; ExAC 0.00001.
gnomAD v4.1: 5 of 1,614,070 alleles (0.00031%); highest among the groups gnomAD compares: Admixed American, 0.0033%; no homozygotes.

Submission:

Labcorp Genetics (formerly Invitae), Labcorp
Classification: Uncertain significance. Last evaluated: 2023-12-11. Review status: criteria provided, single submitter. Criteria: Invitae Variant Classification Sherloc (09022015). Collection method: clinical testing. Allele origin: germline.
Comment: This sequence change replaces lysine, which is basic and polar, with arginine, which is basic and polar, at codon 1634 of the BPTF protein (p.Lys1634Arg). This variant is present in population databases (rs776729465, gnomAD 0.006%). This variant has not been reported in the literature in individuals affected with BPTF-related conditions. ClinVar contains an entry for this variant (Variation ID: 1713455). Algorithms developed to predict the effect of missense changes on protein structure and function output the following: SIFT: "Not Available"; PolyPhen-2: "Benign"; Align-GVGD: "Not Available". The arginine amino acid residue is found in multiple mammalian species, which suggests that this missense change does not adversely affect protein function. In summary, the available evidence is currently insufficient to determine the role of this variant in disease. Therefore, it has been classified as a Variant of Uncertain Significance.

NM_182641.4(BPTF):c.4523A>G (p.Lys1508Arg)

Gene: BPTF (bromodomain PHD finger transcription factor; plus strand). Cytogenetic location: 17q24.2.
Variant type: single nucleotide variant.
Coding change: c.4523A>G on transcript NM_182641.4 (MANE Select); coding-DNA position 4523, A replaced by G.
Protein change: p.Lys1508Arg; replaces lysine 1508 with arginine.
Molecular consequence: missense variant.
Genome position (GRCh38, 1-based): chr17:67,912,407, A>G. VCF-style: chr17-67912407-A-G. GRCh37 (hg19) VCF-style: chr17-65908523-A-G.
Other names: c.4901A>G, p.Lys1634Arg (NM_004459.7); short protein forms K1508R, K1634R.
Identifiers: ClinVar variation 1713455 (VCV001713455.5), dbSNP rs776729465, ClinGen allele CA8725822.